The following is an entry in ClinVar:

NM_003072.5(SMARCA4):c.202A>T (p.Asn68Tyr)

Gene: SMARCA4 (SWI/SNF related BAF chromatin remodeling complex subunit ATPase 4; plus strand). Cytogenetic location: 19p13.2.
Variant type: single nucleotide variant.
Coding change: c.202A>T on transcript NM_003072.5 (MANE Select); coding-DNA position 202, A replaced by T.
Protein change: p.Asn68Tyr; replaces asparagine 68 with tyrosine.
Molecular consequence: missense variant. On other transcripts: non-coding transcript variant (1).
Genome position (GRCh38, 1-based): chr19:10,984,353, A>T. VCF-style: chr19-10984353-A-T. GRCh37 (hg19) VCF-style: chr19-11095029-A-T.
Other names: c.202A>T (NM_001128849.1); c.202A>T, p.Asn68Tyr (NM_001128844.3, NM_001128845.2, NM_001128846.2 and 6 more transcripts); short protein forms N68Y.
Identifiers: ClinVar variation 3636823 (VCV003636823.3).

ClinVar aggregate classification (germline): Uncertain significance. Review status: criteria provided, multiple submitters, no conflicts (2 of 4 stars). 2 submissions from 2 submitters: Uncertain significance (2). Last evaluated 2025-10-29.

Conditions:
Hereditary cancer-predisposing syndrome. Also called: Hereditary neoplastic syndrome; Tumor predisposition; Hereditary Cancer Syndrome; Neoplastic Syndromes, Hereditary. Identifiers: Orphanet 140162, MedGen C0027672, MeSH D009386, MONDO:0015356.
Rhabdoid tumor predisposition syndrome 2 (RTPS2). Identifiers: Orphanet 231108, Orphanet 69077, MedGen C2750074, MONDO:0013224, OMIM 613325.

Submissions (2):

Ambry Genetics
Classification: Uncertain significance for Hereditary cancer-predisposing syndrome. Last evaluated: 2025-10-29. Review status: criteria provided, single submitter. Criteria: Ambry Variant Classification Scheme 2023. Collection method: clinical testing. Allele origin: germline.
Comment: The p.N68Y variant (also known as c.202A>T), located in coding exon 1 of the SMARCA4 gene, results from an A to T substitution at nucleotide position 202. The asparagine at codon 68 is replaced by tyrosine, an amino acid with dissimilar properties. This amino acid position is conserved. In addition, the in silico prediction for this alteration is inconclusive. Based on the available evidence, the clinical significance of this variant remains unclear.

Labcorp Genetics (formerly Invitae), Labcorp
Classification: Uncertain significance for Rhabdoid tumor predisposition syndrome 2. Last evaluated: 2024-03-25. Review status: criteria provided, single submitter. Criteria: Invitae Variant Classification Sherloc (09022015). Collection method: clinical testing. Allele origin: germline.
Comment: This sequence change replaces asparagine, which is neutral and polar, with tyrosine, which is neutral and polar, at codon 68 of the SMARCA4 protein (p.Asn68Tyr). This variant is not present in population databases (gnomAD no frequency). This variant has not been reported in the literature in individuals affected with SMARCA4-related conditions. Advanced modeling of protein sequence and biophysical properties (such as structural, functional, and spatial information, amino acid conservation, physicochemical variation, residue mobility, and thermodynamic stability) performed at Invitae indicates that this missense variant is not expected to disrupt SMARCA4 protein function with a negative predictive value of 95%. In summary, the available evidence is currently insufficient to determine the role of this variant in disease. Therefore, it has been classified as a Variant of Uncertain Significance.